The following is an entry in ClinVar:

NM_001365088.1(SLC12A6):c.3228-3C>T

Gene: SLC12A6 (solute carrier family 12 member 6; minus strand). Cytogenetic location: 15q14.
Variant type: single nucleotide variant.
Coding change: c.3228-3C>T on transcript NM_001365088.1 (MANE Select); 3 bases into the intron before coding-DNA position 3228, C replaced by T.
Molecular consequence: intron variant.
Genome position (GRCh38, 1-based): chr15:34,235,317, G>A on the plus strand (C>T on the coding strand, the complement: SLC12A6 is on the minus strand). VCF-style: chr15-34235317-G-A. GRCh37 (hg19) VCF-style: chr15-34527518-G-A.
Other names: c.3051-3C>T (NM_001042495.2, NM_001042494.2); c.3201-3C>T (NM_001042496.2); c.3183-3C>T (NM_001042497.2); c.3228-3C>T (NM_133647.2); c.3075-3C>T (NM_005135.2).
Identifiers: ClinVar variation 3726714 (VCV003726714.2).

ClinVar aggregate classification (germline): Uncertain significance (1 of 4 stars; one submission).

gnomAD v4.1: 4 of 1,612,380 alleles (0.00025%); highest among the groups gnomAD compares: South Asian, 0.0033%; no homozygotes.

Submission:

Labcorp Genetics (formerly Invitae), Labcorp
Classification: Uncertain significance. Last evaluated: 2024-12-05. Review status: criteria provided, single submitter. Criteria: Invitae Variant Classification Sherloc (09022015). Collection method: clinical testing. Allele origin: germline.
Comment: This sequence change falls in intron 23 of the SLC12A6 gene. It does not directly change the encoded amino acid sequence of the SLC12A6 protein. It affects a nucleotide within the consensus splice site. This variant is not present in population databases (gnomAD no frequency). This variant has not been reported in the literature in individuals affected with SLC12A6-related conditions. Variants that disrupt the consensus splice site are a relatively common cause of aberrant splicing (PMID: 17576681, 9536098). Algorithms developed to predict the effect of sequence changes on RNA splicing suggest that this variant is not likely to affect RNA splicing. In summary, the available evidence is currently insufficient to determine the role of this variant in disease. Therefore, it has been classified as a Variant of Uncertain Significance.

Literature cited by the submitters: PubMed 17576681; PubMed 9536098.